The following is an entry in ClinVar:

NM_000548.5(TSC2):c.695del (p.Pro232fs)

Gene: TSC2 (TSC complex subunit 2; plus strand). Cytogenetic location: 16p13.3.
Variant type: Deletion.
Coding change: c.695del on transcript NM_000548.5 (MANE Select); coding-DNA position 695, one base deleted (C; older notation c.695delC).
Protein change: p.Pro232fs; shifts the reading frame from proline 232.
Molecular consequence: frameshift variant. On other transcripts: non-coding transcript variant (5), 5 prime UTR variant (10).
Genome position (GRCh38, 1-based): chr16:2,056,690, C deleted; the last of 2 consecutive C bases (chr16:2,056,689-2,056,690); deleting either gives the same sequence. VCF-style (leftmost placement, unchanged base first): chr16-2056688-GC-G. GRCh37 (hg19) VCF-style: chr16-2106689-GC-G.
Other names: c.-737del (NM_001406697.1, NM_001406689.1, NM_001406690.1 and 4 more transcripts); c.-913del (NM_001406698.1); c.695del, p.Pro232fs (NM_021055.3, NM_001077183.3, NM_001114382.3 and 6 more transcripts); c.584del, p.Pro195fs (NM_001318827.2, NM_001406670.1, NM_001406678.1); c.548del, p.Pro183fs (NM_001318829.2, NM_001406675.1, NM_001406676.1 and 1 more transcripts); c.95del, p.Pro32fs (NM_001318831.2, NM_001406680.1, NM_001406682.1 and 6 more transcripts); c.728del, p.Pro243fs (NM_001318832.2); c.785del, p.Pro262fs (NM_001406667.1, NM_001406668.1); and 4 more; short protein forms P213fs, P243fs, P78fs, P195fs, P228fs, P262fs, P183fs, P232fs.
Identifiers: ClinVar variation 4724392 (VCV004724392.1).

ClinVar aggregate classification (germline): Pathogenic (1 of 4 stars; one submission).

Conditions:
Tuberous sclerosis 2 (TSC2). Identifiers: Orphanet 805, MedGen C1860707, MONDO:0013199, OMIM 613254.

Submission:

Labcorp Genetics (formerly Invitae), Labcorp
Classification: Pathogenic for Tuberous sclerosis 2. Last evaluated: 2025-07-30. Review status: criteria provided, single submitter. Criteria: Invitae Variant Classification Sherloc (09022015). Collection method: clinical testing. Allele origin: germline.
Comment: This sequence change creates a premature translational stop signal (p.Pro232Argfs*28) in the TSC2 gene. It is expected to result in an absent or disrupted protein product. Loss-of-function variants in TSC2 are known to be pathogenic (PMID: 10205261, 17304050). This variant is not present in population databases (gnomAD no frequency). This variant has not been reported in the literature in individuals affected with TSC2-related conditions. For these reasons, this variant has been classified as Pathogenic.

Literature cited by the submitters: PubMed 10205261; PubMed 17304050.